The following is an entry in ClinVar:

ClinVar aggregate classification (germline): Pathogenic (0 of 4 stars; one submission).

Conditions:
Neurodevelopmental disorder with hypotonia, neonatal respiratory insufficiency, and thermodysregulation. Identifiers: MedGen C5394091, MONDO:0032921, OMIM 618797.

Submissions (2):

OMIM
Classification: Pathogenic for NEURODEVELOPMENTAL DISORDER WITH HYPOTONIA, NEONATAL RESPIRATORY INSUFFICIENCY, AND THERMODYSREGULATION. Last evaluated: 2020-04-02. Review status: no assertion criteria provided. Collection method: literature only. Allele origin: germline.

Institute of Human Genetics Munich, TUM University Hospital
No classification provided (evidence only). Condition: Generalized hypotonia; Feeding difficulties; Infantile spasms; Respiratory distress. Last evaluated: 2019-09-24. Review status: no classification provided. Criteria: Classification criteria August 2017. Collection method: in vitro. Allele origin: not applicable. Inheritance: Autosomal recessive inheritance. Functional consequence: Decreased function. Not counted in ClinVar's aggregate classification.
Comment: "Pathogenic" was previously submitted as the classification for the variant. However, the classification appeared to be based only on an observation of functional data so it was converted to no classification on 2025-07-30.

Literature cited by the submitters: PubMed 32004447 (cited by OMIM).

NM_001346249.2(RALGAPA1):c.610G>T (p.Glu204Ter)

Gene: RALGAPA1 (Ral GTPase activating protein catalytic subunit alpha 1; minus strand). Cytogenetic location: 14q13.2.
Variant type: single nucleotide variant.
Coding change: c.610G>T on transcript NM_001346249.2 (MANE Select); coding-DNA position 610, G replaced by T.
Protein change: p.Glu204Ter; replaces glutamic acid 204 with a stop codon.
Molecular consequence: nonsense.
Genome position (GRCh38, 1-based): chr14:35,756,846, C>A on the plus strand (G>T on the coding strand, the complement: RALGAPA1 is on the minus strand). VCF-style: chr14-35756846-C-A. GRCh37 (hg19) VCF-style: chr14-36226052-C-A.
Other names: c.610G>T, p.Glu204Ter (NM_001283043.3, NM_001283044.3, NM_001330075.3 and 7 more transcripts); short protein forms E204*.
Identifiers: ClinVar variation 691796 (VCV000691796.7), dbSNP rs1595446167, ClinGen allele CA389503135.